The following is an entry in ClinVar:

NM_000065.5(C6):c.654T>A (p.Cys218Ter)

Gene: C6 (complement C6; minus strand). Cytogenetic location: 5p13.1.
Variant type: single nucleotide variant.
Coding change: c.654T>A on transcript NM_000065.5 (MANE Select); coding-DNA position 654, T replaced by A.
Protein change: p.Cys218Ter; replaces cysteine 218 with a stop codon.
Molecular consequence: nonsense.
Genome position (GRCh38, 1-based): chr5:41,186,142, A>T on the plus strand (T>A on the coding strand, the complement: C6 is on the minus strand). VCF-style: chr5-41186142-A-T. GRCh37 (hg19) VCF-style: chr5-41186244-A-T.
Other names: c.654T>A, p.Cys218Ter (NM_001115131.4); short protein forms C218*.
Identifiers: ClinVar variation 2418534 (VCV002418534.6), dbSNP rs199946957, ClinGen allele CA3252711.
Genomic context (GRCh38, chr5:41,186,142, plus strand): 5'-ATTTTCCAGATTGGCCGGAACACGGTATGGATTACTTGTCCTACTGCTTTTGACAGTTTT[A>T]CATATTCCTCCAGTGAAAGAGTTATCAAGGACTTCTCCTCTGGGCTCTCCTGCCAGAAAA-3'

ClinVar aggregate classification (germline): Pathogenic/Likely pathogenic. Review status: criteria provided, multiple submitters, no conflicts (2 of 4 stars). 2 submissions from 2 submitters: Pathogenic (1); Likely pathogenic (1). Last evaluated 2024-09-23.

Conditions:
Complement component 6 deficiency (C6D). Also called: C6 DEFICIENCY. Identifiers: MedGen C2676232, MONDO:0012908, OMIM 612446.

Allele frequency attached by ClinVar (database versions not stated): gnomAD exomes 0.00001; ExAC 0.00002; TOPMed 0.00002; gnomAD 0.00003; 1000 Genomes Project 30x 0.00031; 1000 Genomes Project 0.00040.
gnomAD v4.1: 12 of 1,613,976 alleles (0.00074%); highest among the groups gnomAD compares: East Asian, 0.025%; no homozygotes.

Submissions (2):

Labcorp Genetics (formerly Invitae), Labcorp
Classification: Pathogenic. Last evaluated: 2024-09-23. Review status: criteria provided, single submitter. Criteria: Invitae Variant Classification Sherloc (09022015). Collection method: clinical testing. Allele origin: germline.
Comment: This sequence change creates a premature translational stop signal (p.Cys218*) in the C6 gene. It is expected to result in an absent or disrupted protein product. Loss-of-function variants in C6 are known to be pathogenic (PMID: 17257682). This variant is present in population databases (rs199946957, gnomAD 0.04%). This variant has not been reported in the literature in individuals affected with C6-related conditions. ClinVar contains an entry for this variant (Variation ID: 2418534). For these reasons, this variant has been classified as Pathogenic.

Neuberg Centre For Genomic Medicine, NCGM
Classification: Likely pathogenic for Complement component 6 deficiency. Review status: criteria provided, single submitter. Criteria: ACMG Guidelines, 2015. Collection method: clinical testing. Allele origin: germline. Inheritance: Autosomal recessive inheritance. Affected: yes.
Comment: The observed stop gained variant c.654T>A(p.Cys218Ter) in C6 gene has not been reported previously as a pathogenic variant nor as a benign variant, to our knowledge. This variant is reported with 0.003% allele frequency in gnomAD Exomes. It has been submitted to ClinVar as Pathogenic. However, no details are available for independent assessment. The nucleotide change c.654T>A in C6 is predicted as conserved by GERP++ and PhyloP across 100 vertebrates. This variant is predicted to cause loss of normal protein function through protein truncation. Loss of function variants have been previously reported to be disease causing.(Parham KL, et al., 2007). For these reasons, this variant has been classified as Likely Pathogenic. In the absence of another reportable variant, the molecular diagnosis is not confirmed.

Literature cited by the submitters: PubMed 17257682 (cited by Labcorp Genetics (formerly Invitae), Labcorp).